The following is an entry in ClinVar:

NM_000089.4(COL1A2):c.69A>G (p.Gln23=)

Gene: COL1A2 (collagen type I alpha 2 chain; plus strand). Cytogenetic location: 7q21.3.
Variant type: single nucleotide variant.
Coding change: c.69A>G on transcript NM_000089.4 (MANE Select); coding-DNA position 69, A replaced by G.
Protein change: p.Gln23=; no amino-acid change (glutamine 23 retained).
Molecular consequence: synonymous variant.
Genome position (GRCh38, 1-based): chr7:94,395,100, A>G. VCF-style: chr7-94395100-A-G. GRCh37 (hg19) VCF-style: chr7-94024412-A-G.
Identifiers: ClinVar variation 1418847 (VCV001418847.10), dbSNP rs770754442, ClinGen allele CA4346414.
Genomic context (GRCh38, chr7:94,395,100, plus strand): 5'-CTTTGTGGATACGCGGACTTTGTTGCTGCTTGCAGTAACCTTATGCCTAGCAACATGCCA[A>G]TGTAAGTGCCTTCAGCTTGTTTGGGGGAGACTGGGTAGAGAGGTTAGATGGGAGGGCACC-3'
Protein context (NP_000080.2, residues 13-33): LAVTLCLATC[Gln23=]SLQEETVRKG

ClinVar aggregate classification (germline): Conflicting classifications of pathogenicity. Review status: criteria provided, conflicting classifications (1 of 4 stars). 2 submissions from 2 submitters: Uncertain significance (1); Likely benign (1). Last evaluated 2024-11-24.

Conditions:
Cardiovascular phenotype. Identifiers: MedGen CN230736.
Ehlers-Danlos syndrome, classic type, 1 (EDSCL1). Also called: EHLERS-DANLOS SYNDROME, GRAVIS TYPE; EHLERS-DANLOS SYNDROME, SEVERE CLASSIC TYPE; Ehlers-Danlos syndrome, type 1; Ehlers-Danlos Syndrome, Classic Type, COL5A1-Related; EDS I. Identifiers: MedGen C0268335, MONDO:0019567, OMIM 130000.
Osteogenesis imperfecta type I (OI1). Also called: OI, TYPE I; OSTEOGENESIS IMPERFECTA TARDA; OSTEOGENESIS IMPERFECTA WITH BLUE SCLERAE; Osteogenesis imperfecta type 1; Lobstein's Disease; Lobstein disease. Identifiers: Orphanet 216796, Orphanet 666, MedGen C0023931, MONDO:0008146, OMIM 166200. Disease mechanism: loss of function.

Allele frequency attached by ClinVar (database versions not stated): gnomAD 0.00001; gnomAD exomes 0.00001; TOPMed 0.00001; ExAC 0.00002.
gnomAD v4.1: 16 of 1,613,742 alleles (0.00099%); highest among the groups gnomAD compares: South Asian, 0.0033%; no homozygotes.

Submissions (2):

Labcorp Genetics (formerly Invitae), Labcorp
Classification: Uncertain significance for Osteogenesis imperfecta type I; Ehlers-Danlos syndrome, classic type, 1. Last evaluated: 2024-11-24. Review status: criteria provided, single submitter. Criteria: Invitae Variant Classification Sherloc (09022015). Collection method: clinical testing. Allele origin: germline.
Comment: This sequence change affects codon 23 of the COL1A2 mRNA. It is a 'silent' change, meaning that it does not change the encoded amino acid sequence of the COL1A2 protein. It affects a nucleotide within the consensus splice site. This variant is present in population databases (rs770754442, gnomAD 0.005%). This variant has not been reported in the literature in individuals affected with COL1A2-related conditions. ClinVar contains an entry for this variant (Variation ID: 1418847). Algorithms developed to predict the effect of sequence changes on RNA splicing suggest that this variant is not likely to affect RNA splicing. In summary, the available evidence is currently insufficient to determine the role of this variant in disease. Therefore, it has been classified as a Variant of Uncertain Significance.

Ambry Genetics
Classification: Likely benign for Cardiovascular phenotype. Last evaluated: 2021-03-02. Review status: criteria provided, single submitter. Criteria: Ambry Variant Classification Scheme 2023. Collection method: clinical testing. Allele origin: germline.